The following is an entry in ClinVar:

NM_016642.4(SPTBN5):c.9072C>T (p.Ser3024=)

Gene: SPTBN5 (spectrin beta, non-erythrocytic 5; minus strand). Cytogenetic location: 15q15.1.
Variant type: single nucleotide variant.
Coding change: c.9072C>T on transcript NM_016642.4 (MANE Select); coding-DNA position 9072, C replaced by T.
Protein change: p.Ser3024=; no amino-acid change (serine 3024 retained).
Molecular consequence: synonymous variant.
Genome position (GRCh38, 1-based): chr15:41,855,695, G>A on the plus strand (C>T on the coding strand, the complement: SPTBN5 is on the minus strand). VCF-style: chr15-41855695-G-A. GRCh37 (hg19) VCF-style: chr15-42147893-G-A.
Other names: NC_000015.9:g.42147893G>A.
Identifiers: ClinVar variation 3056594 (VCV003056594.3), dbSNP rs56199567, ClinGen allele CA7501614.

ClinVar aggregate classification (germline): Benign (0 of 4 stars; one submission).

Conditions:
SPTBN5-related disorder. Also called: SPTBN5-related condition.

Allele frequency attached by ClinVar (database versions not stated): 1000 Genomes Project 0.01458; 1000 Genomes Project 30x 0.01593; TOPMed 0.02992; gnomAD 0.03114; ESP Exome Variant Server 0.03239.
gnomAD v4.1: 67,104 of 1,600,792 alleles (4.2%); highest among the groups gnomAD compares: Non-Finnish European, 5%; 1,621 homozygotes.

Submissions (21):

PreventionGenetics, part of Exact Sciences
Classification: Benign for SPTBN5-related condition. Last evaluated: 2019-12-06. Review status: no assertion criteria provided. Collection method: clinical testing. Allele origin: germline.
Comment: This variant is classified as benign based on ACMG/AMP sequence variant interpretation guidelines (Richards et al. 2015 PMID: 25741868, with internal and published modifications).

Dr. Peter K. Rogan Lab, Western University
No classification provided (evidence only). Condition: Lung cancer. Review status: no classification provided. Collection method: in vitro. Allele origin: not applicable. Functional consequence: retained intron. Not counted in ClinVar's aggregate classification.

Dr. Peter K. Rogan Lab, Western University
No classification provided (evidence only). Condition: Melanoma. Review status: no classification provided. Collection method: in vitro. Allele origin: not applicable. Functional consequence: retained intron. Not counted in ClinVar's aggregate classification.

Dr. Peter K. Rogan Lab, Western University
No classification provided (evidence only). Condition: Melanoma. Review status: no classification provided. Collection method: in vitro. Allele origin: not applicable. Functional consequence: retained intron. Not counted in ClinVar's aggregate classification.

Dr. Peter K. Rogan Lab, Western University
No classification provided (evidence only). Condition: Melanoma. Review status: no classification provided. Collection method: in vitro. Allele origin: not applicable. Functional consequence: retained intron. Not counted in ClinVar's aggregate classification.

Dr. Peter K. Rogan Lab, Western University
No classification provided (evidence only). Condition: Acute myeloid leukemia. Review status: no classification provided. Collection method: in vitro. Allele origin: not applicable. Functional consequence: retained intron. Not counted in ClinVar's aggregate classification.

Dr. Peter K. Rogan Lab, Western University
No classification provided (evidence only). Condition: Acute myeloid leukemia. Review status: no classification provided. Collection method: in vitro. Allele origin: not applicable. Functional consequence: retained intron. Not counted in ClinVar's aggregate classification.

Dr. Peter K. Rogan Lab, Western University
No classification provided (evidence only). Condition: Colon adenocarcinoma. Review status: no classification provided. Collection method: in vitro. Allele origin: not applicable. Functional consequence: retained intron. Not counted in ClinVar's aggregate classification.

Dr. Peter K. Rogan Lab, Western University
No classification provided (evidence only). Condition: Colon adenocarcinoma. Review status: no classification provided. Collection method: in vitro. Allele origin: not applicable. Functional consequence: retained intron. Not counted in ClinVar's aggregate classification.

Dr. Peter K. Rogan Lab, Western University
No classification provided (evidence only). Condition: Sarcoma. Review status: no classification provided. Collection method: in vitro. Allele origin: not applicable. Functional consequence: retained intron. Not counted in ClinVar's aggregate classification.

Dr. Peter K. Rogan Lab, Western University
No classification provided (evidence only). Condition: Sarcoma. Review status: no classification provided. Collection method: in vitro. Allele origin: not applicable. Functional consequence: retained intron. Not counted in ClinVar's aggregate classification.

Dr. Peter K. Rogan Lab, Western University
No classification provided (evidence only). Condition: Sarcoma. Review status: no classification provided. Collection method: in vitro. Allele origin: not applicable. Functional consequence: retained intron. Not counted in ClinVar's aggregate classification.

Dr. Peter K. Rogan Lab, Western University
No classification provided (evidence only). Condition: Hepatocellular carcinoma. Review status: no classification provided. Collection method: in vitro. Allele origin: not applicable. Functional consequence: retained intron. Not counted in ClinVar's aggregate classification.

Dr. Peter K. Rogan Lab, Western University
No classification provided (evidence only). Condition: Hepatocellular carcinoma. Review status: no classification provided. Collection method: in vitro. Allele origin: not applicable. Functional consequence: retained intron. Not counted in ClinVar's aggregate classification.

Dr. Peter K. Rogan Lab, Western University
No classification provided (evidence only). Condition: Nonpapillary renal cell carcinoma. Review status: no classification provided. Collection method: in vitro. Allele origin: not applicable. Functional consequence: retained intron. Not counted in ClinVar's aggregate classification.

Dr. Peter K. Rogan Lab, Western University
No classification provided (evidence only). Condition: Thymoma. Review status: no classification provided. Collection method: in vitro. Allele origin: not applicable. Functional consequence: retained intron. Not counted in ClinVar's aggregate classification.

Dr. Peter K. Rogan Lab, Western University
No classification provided (evidence only). Condition: Cholangiocarcinoma. Review status: no classification provided. Collection method: in vitro. Allele origin: not applicable. Functional consequence: retained intron. Not counted in ClinVar's aggregate classification.

Dr. Peter K. Rogan Lab, Western University
No classification provided (evidence only). Condition: Adrenocortical carcinoma, hereditary. Review status: no classification provided. Collection method: in vitro. Allele origin: not applicable. Functional consequence: retained intron. Not counted in ClinVar's aggregate classification.

Dr. Peter K. Rogan Lab, Western University
No classification provided (evidence only). Condition: Uterine carcinosarcoma. Review status: no classification provided. Collection method: in vitro. Allele origin: not applicable. Functional consequence: retained intron. Not counted in ClinVar's aggregate classification.

Dr. Peter K. Rogan Lab, Western University
No classification provided (evidence only). Condition: Uveal melanoma. Review status: no classification provided. Collection method: in vitro. Allele origin: not applicable. Functional consequence: retained intron. Not counted in ClinVar's aggregate classification.

Dr. Peter K. Rogan Lab, Western University
No classification provided (evidence only). Condition: Uveal melanoma. Review status: no classification provided. Collection method: in vitro. Allele origin: not applicable. Functional consequence: retained intron. Not counted in ClinVar's aggregate classification.